The following is an entry in ClinVar:

ClinVar aggregate classification (germline): Conflicting classifications of pathogenicity. Review status: criteria provided, conflicting classifications (1 of 4 stars). 4 submissions from 4 submitters: Uncertain significance (1); Likely benign (3). Last evaluated 2025-12-17.

Conditions:
Congenital stationary night blindness 1F. Also called: Night blindness, congenital stationary (complete), 1F, autosomal recessive. Identifiers: Orphanet 215, MedGen C3554399, MONDO:0014026, OMIM 615058.

Allele frequency attached by ClinVar (database versions not stated): ExAC 0.00012; ESP Exome Variant Server 0.00015; gnomAD exomes 0.00019; gnomAD 0.00021; TOPMed 0.00023.
gnomAD v4.1: 731 of 1,613,790 alleles (0.045%); highest among the groups gnomAD compares: Non-Finnish European, 0.058%; no homozygotes.

Submissions (4):

Labcorp Genetics (formerly Invitae), Labcorp
Classification: Likely benign. Last evaluated: 2025-12-17. Review status: criteria provided, single submitter. Criteria: Invitae Variant Classification Sherloc (09022015). Collection method: clinical testing. Allele origin: germline.

Blueprint Genetics
Classification: Likely benign. Last evaluated: 2024-05-24. Review status: criteria provided, single submitter. Criteria: ACMG Guidelines, 2015. Collection method: clinical testing. Allele origin: germline.

CeGaT Center for Human Genetics Tuebingen
Classification: Likely benign. Last evaluated: 2023-03-01. Review status: criteria provided, single submitter. Criteria: CeGaT Center For Human Genetics Tuebingen Variant Classification Criteria Version 2. Collection method: clinical testing. Allele origin: germline. Affected: yes. Observed: 1 variant allele.
Comment: LRIT3: BP4, BP7

Illumina Laboratory Services, Illumina
Classification: Uncertain significance for Congenital stationary night blindness 1F. Last evaluated: 2018-01-12. Review status: criteria provided, single submitter. Criteria: ICSL Variant Classification Criteria 13 December 2019. Collection method: clinical testing. Allele origin: germline.

NM_198506.5(LRIT3):c.1029G>T (p.Val343=)

Gene: LRIT3 (leucine rich repeat, Ig-like and transmembrane domains 3; plus strand). Cytogenetic location: 4q25.
Variant type: single nucleotide variant.
Coding change: c.1029G>T on transcript NM_198506.5 (MANE Select); coding-DNA position 1029, G replaced by T.
Protein change: p.Val343=; no amino-acid change (valine 343 retained).
Molecular consequence: synonymous variant.
Genome position (GRCh38, 1-based): chr4:109,869,778, G>T. VCF-style: chr4-109869778-G-T. GRCh37 (hg19) VCF-style: chr4-110790934-G-T.
Identifiers: ClinVar variation 347186 (VCV000347186.37), dbSNP rs199943498, ClinGen allele CA3043118.